The following is an entry in ClinVar:

ClinVar aggregate classification (germline): Uncertain significance (1 of 4 stars; one submission).

gnomAD v4.1: 2 of 1,367,642 alleles (0.00015%); highest among the groups gnomAD compares: Non-Finnish European, 0.0002%; no homozygotes.

Submission:

Labcorp Genetics (formerly Invitae), Labcorp
Classification: Uncertain significance. Last evaluated: 2025-09-03. Review status: criteria provided, single submitter. Criteria: Invitae Variant Classification Sherloc (09022015). Collection method: clinical testing. Allele origin: germline.
Comment: This sequence change replaces threonine, which is neutral and polar, with isoleucine, which is neutral and non-polar, at codon 347 of the COL11A2 protein (p.Thr347Ile). This variant is not present in population databases (gnomAD no frequency). This variant has not been reported in the literature in individuals affected with COL11A2-related conditions. ClinVar contains an entry for this variant (Variation ID: 1395190). Invitae Evidence Modeling of protein sequence and biophysical properties (such as structural, functional, and spatial information, amino acid conservation, physicochemical variation, residue mobility, and thermodynamic stability) indicates that this missense variant is not expected to disrupt COL11A2 protein function with a negative predictive value of 95%. In summary, the available evidence is currently insufficient to determine the role of this variant in disease. Therefore, it has been classified as a Variant of Uncertain Significance.

NM_080680.3(COL11A2):c.1040C>T (p.Thr347Ile)

Gene: COL11A2 (collagen type XI alpha 2 chain; minus strand). Cytogenetic location: 6p21.32.
Variant type: single nucleotide variant.
Coding change: c.1040C>T on transcript NM_080680.3 (MANE Select); coding-DNA position 1040, C replaced by T.
Protein change: p.Thr347Ile; replaces threonine 347 with isoleucine.
Molecular consequence: missense variant. On other transcripts: intron variant (2).
Genome position (GRCh38, 1-based): chr6:33,184,224, G>A on the plus strand (C>T on the coding strand, the complement: COL11A2 is on the minus strand). VCF-style: chr6-33184224-G-A. GRCh37 (hg19) VCF-style: chr6-33152001-G-A.
Other names: c.798+2403C>T (NM_080679.3); c.861+768C>T (NM_080681.3); short protein forms T347I.
Identifiers: ClinVar variation 1395190 (VCV001395190.6), dbSNP rs2150601146, ClinGen allele CA363608563.
Genomic context (GRCh38, chr6:33,184,224, plus strand): 5'-TCCGCAGAGAGGGCAGGGCCAAGCTCTGTCTCCTCACGATAATCATCCCCATAGCCATAG[G>A]TGTAATCGTAGGGCCCTTCAGGGGGGTCTGTGCCACCCTCCCCATATTCCTCTGCCTGGA-3'
Protein context (NP_542411.2, residues 337-357): TDPPEGPYDY[Thr347Ile]YGYGDDYREE